The following is an entry in ClinVar:

ClinVar aggregate classification (germline): Uncertain significance. Review status: criteria provided, multiple submitters, no conflicts (2 of 4 stars). 4 submissions from 4 submitters: Uncertain significance (4). Last evaluated 2026-06-05.

Conditions:
Polycystic kidney disease, adult type (PKD1). Also called: POLYCYSTIC KIDNEY DISEASE 1 WITH OR WITHOUT POLYCYSTIC LIVER DISEASE; Polycystic Kidney Disease 1, Autosomal Dominant; Polycystic kidney disease 1; Polycystic kidney disease 1, severe; Polycystic Kidney, Autosomal Dominant; POLYCYSTIC KIDNEY DISEASE, ADULT, TYPE I. Identifiers: MedGen C3149841, MONDO:0008263, OMIM 173900.

Allele frequency attached by ClinVar (database versions not stated): ESP Exome Variant Server 0.00015.
gnomAD v4.1: 98 of 1,610,438 alleles (0.0061%); highest among the groups gnomAD compares: Non-Finnish European, 0.0078%; no homozygotes.

Submissions (4):

Women's Health and Genetics/Laboratory Corporation of America, LabCorp
Classification: Uncertain significance. Last evaluated: 2026-06-05. Review status: criteria provided, single submitter. Criteria: LabCorp Variant Classification Summary - May 2015. Collection method: clinical testing. Allele origin: germline.
Comment: Variant summary: PKD1 c.6763C>T (p.Arg2255Cys) results in a non-conservative amino acid change in the encoded protein sequence. Algorithms developed to predict the effect of missense changes on protein structure and function are either unavailable or do not agree on the potential impact of this missense change. The variant allele was found at a frequency of 2.4e-05 in 248494 control chromosomes (gnomAD). c.6763C>T has been observed in a severely affected Polycystic Kidney Disease proband who was compound heterozygous with a nonsense variant, as well as 2 heterozygous siblings with mild cysts and/or increased echogenecity in ultrasound (Bergmann_2011). These data indicate that the variant may be associated with disease as a hypomorphic allele. To our knowledge, no experimental evidence demonstrating an impact on protein function has been reported. The following publications have been ascertained in the context of this evaluation (PMID: 22034641, 33639313). ClinVar contains an entry for this variant (Variation ID: 3252778). Based on the evidence outlined above, the variant was classified as VUS-possibly pathogenic.

GeneDx
Classification: Uncertain significance. Last evaluated: 2026-05-07. Review status: criteria provided, single submitter. Criteria: GeneDx Variant Classification Process June 2021. Collection method: clinical testing. Allele origin: germline.
Comment: Reported with a second variant on the opposite allele (in trans) in a patient with polycystic kidney disease in published literature; the variant was inherited from an unaffected parent and siblings with mild echogenicity (PMID: 22034641); In silico analysis supports that this missense variant has a deleterious effect on protein structure/function; This variant is associated with the following publications: (PMID: 33639313, 22034641)

Genetic Services Laboratory, University of Chicago
Classification: Uncertain significance. Last evaluated: 2024-09-12. Review status: criteria provided, single submitter. Criteria: ACMG Guidelines, 2015. Collection method: clinical testing. Allele origin: germline. Affected: no.
Comment: DNA sequence analysis of the PKD1 gene demonstrated a sequence change, c.6763C>T, in exon 15 that results in an amino acid change, p.Arg2255Cys. This sequence change has been previously described in trans with a pathogenic truncating variant in an individual with severe polycystic kidney disease, whose affected father carried only the pathogenic truncating variant and had later-onset, less severe PKD (PMID: 22034641). The patients heterozygous mother and siblings were identified to carry the p.Arg2255Cys variant and were unaffected or mildly affected, indicating that the p.Arg2255Cys variant may be a hypomorphic allele (PMID: 22034641). This sequence change has been described in the gnomAD database with a frequency of 0.006% in the global population (dbSNP rs199803853). The p.Arg2255Cys change affects a moderately conserved amino acid residue located in a domain of the PKD1 protein that is known to be functional. In-silico pathogenicity prediction tools (SIFT, PolyPhen2, Align GVGD, REVEL) provide contradictory results for the p.Arg2255Cys substitution. Due to insufficient evidences and the lack of functional studies, the clinical significance of the p.Arg2255Cys change remains unknown at this time.

Fulgent Genetics
Classification: Uncertain significance for Polycystic kidney disease, adult type. Last evaluated: 2024-03-19. Review status: criteria provided, single submitter. Criteria: ACMG Guidelines, 2015. Collection method: clinical testing. Allele origin: germline.

Literature cited by the submitters: PubMed 33639313 (cited by Women's Health and Genetics/Laboratory Corporation of America, LabCorp); PubMed 22034641 (cited by Women's Health and Genetics/Laboratory Corporation of America, LabCorp).

NM_001009944.3(PKD1):c.6763C>T (p.Arg2255Cys)

Gene: PKD1 (polycystin 1, transient receptor potential channel interacting; minus strand). Cytogenetic location: 16p13.3.
Variant type: single nucleotide variant.
Coding change: c.6763C>T on transcript NM_001009944.3 (MANE Select); coding-DNA position 6763, C replaced by T.
Protein change: p.Arg2255Cys; replaces arginine 2255 with cysteine.
Molecular consequence: missense variant.
Genome position (GRCh38, 1-based): chr16:2,108,404, G>A on the plus strand (C>T on the coding strand, the complement: PKD1 is on the minus strand). VCF-style: chr16-2108404-G-A. GRCh37 (hg19) VCF-style: chr16-2158405-G-A.
Other names: c.6763C>T, p.Arg2255Cys (NM_000296.4); short protein forms R2255C.
Identifiers: ClinVar variation 3252778 (VCV003252778.5), dbSNP rs199803853.